The following is an entry in ClinVar:

ClinVar aggregate classification (germline): Uncertain significance (1 of 4 stars; one submission).

Allele frequency attached by ClinVar (database versions not stated): TOPMed below 0.00001; gnomAD 0.00001.
gnomAD v4.1: 2 of 1,614,042 alleles (0.00012%); highest among the groups gnomAD compares: Non-Finnish European, 0.00017%; no homozygotes.

Submission:

Labcorp Genetics (formerly Invitae), Labcorp
Classification: Uncertain significance. Last evaluated: 2022-09-25. Review status: criteria provided, single submitter. Criteria: Invitae Variant Classification Sherloc (09022015). Collection method: clinical testing. Allele origin: germline.
Comment: This sequence change replaces alanine, which is neutral and non-polar, with serine, which is neutral and polar, at codon 212 of the ZIC1 protein (p.Ala212Ser). In summary, the available evidence is currently insufficient to determine the role of this variant in disease. Therefore, it has been classified as a Variant of Uncertain Significance. Advanced modeling of protein sequence and biophysical properties (such as structural, functional, and spatial information, amino acid conservation, physicochemical variation, residue mobility, and thermodynamic stability) has been performed at Invitae for this missense variant, however the output from this modeling did not meet the statistical confidence thresholds required to predict the impact of this variant on ZIC1 protein function. This variant has not been reported in the literature in individuals affected with ZIC1-related conditions. This variant is present in population databases (no rsID available, gnomAD 0.0009%).

NM_003412.4(ZIC1):c.634G>T (p.Ala212Ser)

Gene: ZIC1 (Zic family zinc finger 1; plus strand). Cytogenetic location: 3q24.
Variant type: single nucleotide variant.
Coding change: c.634G>T on transcript NM_003412.4 (MANE Select); coding-DNA position 634, G replaced by T.
Protein change: p.Ala212Ser; replaces alanine 212 with serine.
Molecular consequence: missense variant.
Genome position (GRCh38, 1-based): chr3:147,410,746, G>T. VCF-style: chr3-147410746-G-T. GRCh37 (hg19) VCF-style: chr3-147128533-G-T.
Other names: short protein forms A212S.
Identifiers: ClinVar variation 1720362 (VCV001720362.5), dbSNP rs767021122, ClinGen allele CA354897117.